The following is an entry in ClinVar:

ClinVar aggregate classification (germline): Uncertain significance (1 of 4 stars; one submission).

gnomAD v4.1: 41 of 1,614,090 alleles (0.0025%); highest among the groups gnomAD compares: Admixed American, 0.0033%; no homozygotes.

Submission:

Labcorp Genetics (formerly Invitae), Labcorp
Classification: Uncertain significance. Last evaluated: 2024-03-21. Review status: criteria provided, single submitter. Criteria: Invitae Variant Classification Sherloc (09022015). Collection method: clinical testing. Allele origin: germline.
Comment: This sequence change replaces lysine, which is basic and polar, with glutamic acid, which is acidic and polar, at codon 400 of the KRT6B protein (p.Lys400Glu). This variant is present in population databases (rs139792514, gnomAD 0.004%). This missense change has been observed in individual(s) with clinical features of KRT6B-related conditions (PMID: 34796977). Advanced modeling of protein sequence and biophysical properties (such as structural, functional, and spatial information, amino acid conservation, physicochemical variation, residue mobility, and thermodynamic stability) performed at Invitae indicates that this missense variant is not expected to disrupt KRT6B protein function with a negative predictive value of 80%. In summary, the available evidence is currently insufficient to determine the role of this variant in disease. Therefore, it has been classified as a Variant of Uncertain Significance.

Literature cited by the submitters: PubMed 34796977.

NM_005555.4(KRT6B):c.1198A>G (p.Lys400Glu)

Gene: KRT6B (keratin 6B; minus strand). Cytogenetic location: 12q13.13.
Variant type: single nucleotide variant.
Coding change: c.1198A>G on transcript NM_005555.4 (MANE Select); coding-DNA position 1198, A replaced by G.
Protein change: p.Lys400Glu; replaces lysine 400 with glutamic acid.
Molecular consequence: missense variant.
Genome position (GRCh38, 1-based): chr12:52,448,847, T>C on the plus strand (A>G on the coding strand, the complement: KRT6B is on the minus strand). VCF-style: chr12-52448847-T-C. GRCh37 (hg19) VCF-style: chr12-52842631-T-C.
Other names: short protein forms K400E.
Identifiers: ClinVar variation 3709353 (VCV003709353.2).
Genomic context (GRCh38, chr12:52,448,847, plus strand): 5'-CTCATGACCTAATAAAAAAAATGATGCTTTTCTCCTCCATTGCCCCTCACCATACCTGCT[T>C]CTTGACGTGGTCGATCTCAGATCTCAGCCTCTGGATCATGCGGTTGATCTCAGCAATCTC-3'
Protein context (NP_005546.2, residues 390-410): RLRSEIDHVK[Lys400Glu]QCANLQAAIA